The following is an entry in ClinVar:

NM_003105.6(SORL1):c.3187G>T (p.Gly1063Cys)

Gene: SORL1 (sortilin related receptor 1; plus strand). Cytogenetic location: 11q24.1.
Variant type: single nucleotide variant.
Coding change: c.3187G>T on transcript NM_003105.6 (MANE Select); coding-DNA position 3187, G replaced by T.
Protein change: p.Gly1063Cys; replaces glycine 1063 with cysteine.
Molecular consequence: missense variant.
Genome position (GRCh38, 1-based): chr11:121,567,077, G>T. VCF-style: chr11-121567077-G-T. GRCh37 (hg19) VCF-style: chr11-121437786-G-T.
Other names: short protein forms G1063C.
Identifiers: ClinVar variation 2696673 (VCV002696673.3), dbSNP rs1862764955, ClinGen allele CA383037887.

ClinVar aggregate classification (germline): Uncertain significance (1 of 4 stars; one submission).

Submission:

Labcorp Genetics (formerly Invitae), Labcorp
Classification: Uncertain significance. Last evaluated: 2023-11-17. Review status: criteria provided, single submitter. Criteria: Invitae Variant Classification Sherloc (09022015). Collection method: clinical testing. Allele origin: germline.
Comment: This sequence change replaces glycine, which is neutral and non-polar, with cysteine, which is neutral and slightly polar, at codon 1063 of the SORL1 protein (p.Gly1063Cys). This variant is not present in population databases (gnomAD no frequency). This variant has not been reported in the literature in individuals affected with SORL1-related conditions. An algorithm developed to predict the effect of missense changes on protein structure and function (PolyPhen-2) suggests that this variant is likely to be disruptive. In summary, the available evidence is currently insufficient to determine the role of this variant in disease. Therefore, it has been classified as a Variant of Uncertain Significance.